The following is an entry in ClinVar:

NM_001377.3(DYNC2H1):c.2549T>A (p.Leu850Ter)

Gene: DYNC2H1 (dynein cytoplasmic 2 heavy chain 1; plus strand). Cytogenetic location: 11q22.3.
Variant type: single nucleotide variant.
Coding change: c.2549T>A on transcript NM_001377.3 (MANE Select); coding-DNA position 2549, T replaced by A.
Protein change: p.Leu850Ter; replaces leucine 850 with a stop codon.
Molecular consequence: nonsense.
Genome position (GRCh38, 1-based): chr11:103,135,923, T>A. VCF-style: chr11-103135923-T-A. GRCh37 (hg19) VCF-style: chr11-103006652-T-A.
Other names: c.2549T>A, p.Leu850Ter (NM_001080463.2); short protein forms L850*.
Identifiers: ClinVar variation 2428960 (VCV002428960.9), dbSNP rs1205610948, ClinGen allele CA382260985.

ClinVar aggregate classification (germline): Pathogenic. Review status: criteria provided, multiple submitters, no conflicts (2 of 4 stars). 3 submissions from 3 submitters: Pathogenic (3). Last evaluated 2025-08-21.

Conditions:
Asphyxiating thoracic dystrophy 3. Also called: SHORT-RIB THORACIC DYSPLASIA 3/6 WITH POLYDACTYLY, DIGENIC; Short rib polydactyly syndrome 2B; Saldino-Noonan Syndrome; SHORT-RIB THORACIC DYSPLASIA 3 WITH OR WITHOUT POLYDACTYLY; POLYDACTYLY WITH NEONATAL CHONDRODYSTROPHY, TYPE I. Identifiers: Orphanet 474, Orphanet 93269, Orphanet 93270, Orphanet 93271, MedGen C0036069, MONDO:0013127, OMIM 613091.
Jeune thoracic dystrophy. Also called: Jeune syndrome; Infantile thoracic dystrophy; Thoracic pelvic phalangeal dystrophy; Jeune's syndrome; Chondroectodermal dysplasia-like syndrome; Short-rib thoracic dysplasia. Identifiers: Orphanet 474, MedGen C0265275, MONDO:0018770.

Allele frequency attached by ClinVar (database versions not stated): gnomAD exomes below 0.00001; TOPMed 0.00001; gnomAD 0.00003.
gnomAD v4.1: 7 of 1,608,582 alleles (0.00044%); highest among the groups gnomAD compares: Non-Finnish European, 0.00051%; no homozygotes.

Submissions (3):

GeneDx
Classification: Pathogenic. Last evaluated: 2025-08-21. Review status: criteria provided, single submitter. Criteria: GeneDx Variant Classification Process June 2021. Collection method: clinical testing. Allele origin: germline.
Comment: Nonsense variant predicted to result in protein truncation or nonsense mediated decay in a gene for which loss of function is a known mechanism of disease; Not observed at significant frequency in large population cohorts (gnomAD); This variant is associated with the following publications: (PMID: 23339108)

Labcorp Genetics (formerly Invitae), Labcorp
Classification: Pathogenic for Jeune thoracic dystrophy. Last evaluated: 2025-06-09. Review status: criteria provided, single submitter. Criteria: Invitae Variant Classification Sherloc (09022015). Collection method: clinical testing. Allele origin: germline.
Comment: This sequence change creates a premature translational stop signal (p.Leu850*) in the DYNC2H1 gene. It is expected to result in an absent or disrupted protein product. Loss-of-function variants in DYNC2H1 are known to be pathogenic (PMID: 23339108, 32753734, 33755199). This variant is present in population databases (no rsID available, gnomAD 0.0009%). This premature translational stop signal has been observed in individual(s) with asphyxiating thoracic dystrophy (PMID: 23339108). ClinVar contains an entry for this variant (Variation ID: 2428960). For these reasons, this variant has been classified as Pathogenic.

Myriad Genetics, Inc.
Classification: Pathogenic for Asphyxiating thoracic dystrophy 3. Last evaluated: 2024-07-03. Review status: criteria provided, single submitter. Criteria: Myriad Autosomal Dominant, Autosomal Recessive and X-Linked Classification Criteria (2023). Collection method: clinical testing. Allele origin: unknown.
Comment: NM_001377.2(DYNC2H1):c.2549T>A(L850*) is expected to be pathogenic in the context of DYNC2H1-related disorders. This variant is predicted to lead to an abnormal or absent protein product due to the creation of a premature termination codon in DYNC2H1, a gene where loss-of-function variants are known to be pathogenic. Please note: this variant was assessed in the context of healthy population screening.

Literature cited by the submitters: PubMed 23339108 (cited by Labcorp Genetics (formerly Invitae), Labcorp); PubMed 32753734 (cited by Labcorp Genetics (formerly Invitae), Labcorp); PubMed 33755199 (cited by Labcorp Genetics (formerly Invitae), Labcorp).